The following is an entry in ClinVar:

NM_014363.6(SACS):c.11335T>A (p.Phe3779Ile)

Gene: SACS (sacsin molecular chaperone; minus strand). Cytogenetic location: 13q12.12.
Variant type: single nucleotide variant.
Coding change: c.11335T>A on transcript NM_014363.6 (MANE Select); coding-DNA position 11335, T replaced by A.
Protein change: p.Phe3779Ile; replaces phenylalanine 3779 with isoleucine.
Molecular consequence: missense variant.
Genome position (GRCh38, 1-based): chr13:23,332,541, A>T on the plus strand (T>A on the coding strand, the complement: SACS is on the minus strand). VCF-style: chr13-23332541-A-T. GRCh37 (hg19) VCF-style: chr13-23906680-A-T.
Other names: c.10894T>A, p.Phe3632Ile (NM_001278055.2); short protein forms F3632I, F3779I.
Identifiers: ClinVar variation 2004837 (VCV002004837.4), dbSNP rs2542171673, ClinGen allele CA387510215.
Genomic context (GRCh38, chr13:23,332,541, plus strand): 5'-CCATCACAAAAGCAACCCCTCGCAACTGAAAACGAAATTCCCTTTTTTCTGCACTGAGGA[A>T]TTCATATATGCTCCTTAAGACTTTTGCTCTAGTTTTTACCATTTCTTCATCCAACGTCGT-3'
Protein context (NP_055178.3, residues 3769-3789): RAKVLRSIYE[Phe3779Ile]LSAEKREFRF

ClinVar aggregate classification (germline): Uncertain significance (1 of 4 stars; one submission).

Conditions:
Spastic paraplegia. Identifiers: MedGen C0037772, HP:0001258.

Submission:

Labcorp Genetics (formerly Invitae), Labcorp
Classification: Uncertain significance for Spastic paraplegia. Last evaluated: 2022-09-07. Review status: criteria provided, single submitter. Criteria: Invitae Variant Classification Sherloc (09022015). Collection method: clinical testing. Allele origin: germline.
Comment: This variant is not present in population databases (gnomAD no frequency). In summary, the available evidence is currently insufficient to determine the role of this variant in disease. Therefore, it has been classified as a Variant of Uncertain Significance. Algorithms developed to predict the effect of missense changes on protein structure and function are either unavailable or do not agree on the potential impact of this missense change (SIFT: "Deleterious"; PolyPhen-2: "Probably Damaging"; Align-GVGD: "Class C0"). This variant has not been reported in the literature in individuals affected with SACS-related conditions. This sequence change replaces phenylalanine, which is neutral and non-polar, with isoleucine, which is neutral and non-polar, at codon 3779 of the SACS protein (p.Phe3779Ile).